The following is an entry in ClinVar:

ClinVar aggregate classification (germline): Benign/Likely benign. Review status: criteria provided, multiple submitters, no conflicts (2 of 4 stars). 5 submissions from 5 submitters: Benign (2); Likely benign (3). Last evaluated 2026-01-26.

Conditions:
HPS5-related disorder. Also called: HPS5-related condition.

Allele frequency attached by ClinVar (database versions not stated): gnomAD exomes 0.00010 and 0.00026; ExAC 0.00037; 1000 Genomes Project 0.00100; 1000 Genomes Project 30x 0.00109; gnomAD 0.00109 and 0.00118; TOPMed 0.00121; ESP Exome Variant Server 0.00169.
gnomAD v4.1: 314 of 1,614,158 alleles (0.019%); highest among the groups gnomAD compares: African/African-American, 0.39%; 1 homozygote.

Submissions (5):

Labcorp Genetics (formerly Invitae), Labcorp
Classification: Benign. Last evaluated: 2026-01-26. Review status: criteria provided, single submitter. Criteria: Invitae Variant Classification Sherloc (09022015). Collection method: clinical testing. Allele origin: germline.

PreventionGenetics, part of Exact Sciences
Classification: Likely benign for HPS5-related condition. Last evaluated: 2025-04-04. Review status: criteria provided, single submitter. Criteria: ACMG Guidelines, 2015. Collection method: clinical testing. Allele origin: germline.
Comment: This variant is classified as likely benign based on ACMG/AMP sequence variant interpretation guidelines (Richards et al. 2015 PMID: 25741868, with internal and published modifications).

Women's Health and Genetics/Laboratory Corporation of America, LabCorp
Classification: Likely benign. Last evaluated: 2024-10-08. Review status: criteria provided, single submitter. Criteria: LabCorp Variant Classification Summary - May 2015. Collection method: clinical testing. Allele origin: germline.

Blueprint Genetics
Classification: Likely benign. Last evaluated: 2024-02-21. Review status: criteria provided, single submitter. Criteria: ACMG Guidelines, 2015. Collection method: clinical testing. Allele origin: germline.

Breakthrough Genomics
Classification: Benign. Review status: criteria provided, single submitter. Criteria: ACMG Guidelines, 2015. Collection method: not provided. Allele origin: germline. Inheritance: Autosomal recessive inheritance. Affected: yes.

NM_181507.2(HPS5):c.2109T>C (p.Asp703=)

Gene: HPS5 (HPS5 biogenesis of lysosomal organelles complex 2 subunit 2; minus strand). Cytogenetic location: 11p15.1.
Variant type: single nucleotide variant.
Coding change: c.2109T>C on transcript NM_181507.2 (MANE Select); coding-DNA position 2109, T replaced by C.
Protein change: p.Asp703=; no amino-acid change (aspartic acid 703 retained).
Molecular consequence: synonymous variant.
Genome position (GRCh38, 1-based): chr11:18,291,773, A>G on the plus strand (T>C on the coding strand, the complement: HPS5 is on the minus strand). VCF-style: chr11-18291773-A-G. GRCh37 (hg19) VCF-style: chr11-18313320-A-G.
Other names: c.1767T>C, p.Asp589= (NM_007216.4, NM_181508.2).
Identifiers: ClinVar variation 730593 (VCV000730593.13), dbSNP rs144280811, ClinGen allele CA5909923.
Genomic context (GRCh38, chr11:18,291,773, plus strand): 5'-TATTTGAAACAGGTCATCCAAAGACTCCCTTGGACTCCTTACACATTCACATGCTGTTTT[A>G]TCAACAGATTCTTCATTGCCTAAAGAGTCCCTTTTTTCTTTTTCATTATCTTCATCTAAT-3'
Protein context (NP_852608.1, residues 693-713): RDSLGNEESV[Asp703=]KTACECVRSP